The following is an entry in ClinVar:

ClinVar aggregate classification (germline): Conflicting classifications of pathogenicity. Review status: criteria provided, conflicting classifications (1 of 4 stars). 4 submissions from 4 submitters: Uncertain significance (2); Likely benign (2). Last evaluated 2026-02-01.

Conditions:
Familial thoracic aortic aneurysm and aortic dissection (TAAD). Also called: Thoracic aortic aneurysms and dissections. Identifiers: Orphanet 91387, MedGen C4707243, MONDO:0019625.
Aortic aneurysm, familial thoracic 7 (AAT7). Also called: AORTIC DISSECTION, FAMILIAL, WITH OR WITHOUT AORTIC ANEURYSM. Identifiers: MedGen C3151077, MONDO:0013418, OMIM 613780.
Connective tissue disorder. Also called: Connective tissue disease. Identifiers: MedGen C0009782, MONDO:0003900.

Allele frequency attached by ClinVar (database versions not stated): gnomAD exomes 0.00006 and 0.00008; gnomAD 0.00007 and 0.00006; ESP Exome Variant Server 0.00008; 1000 Genomes Project 30x 0.00016; ExAC 0.00010; 1000 Genomes Project 0.00020.
gnomAD v4.1: 134 of 1,611,286 alleles (0.0083%); highest among the groups gnomAD compares: Non-Finnish European, 0.01%; no homozygotes.

Submissions (4):

Labcorp Genetics (formerly Invitae), Labcorp
Classification: Uncertain significance for Aortic aneurysm, familial thoracic 7. Last evaluated: 2026-02-01. Review status: criteria provided, single submitter. Criteria: Invitae Variant Classification Sherloc (09022015). Collection method: clinical testing. Allele origin: germline.
Comment: This sequence change replaces serine, which is neutral and polar, with phenylalanine, which is neutral and non-polar, at codon 1011 of the MYLK protein (p.Ser1011Phe). This variant is present in population databases (rs200423083, gnomAD 0.01%). This variant has not been reported in the literature in individuals affected with MYLK-related conditions. ClinVar contains an entry for this variant (Variation ID: 539091). Invitae Evidence Modeling of protein sequence and biophysical properties (such as structural, functional, and spatial information, amino acid conservation, physicochemical variation, residue mobility, and thermodynamic stability) indicates that this missense variant is not expected to disrupt MYLK protein function with a negative predictive value of 95%. In summary, the available evidence is currently insufficient to determine the role of this variant in disease. Therefore, it has been classified as a Variant of Uncertain Significance.

GeneDx
Classification: Uncertain significance. Last evaluated: 2025-12-14. Review status: criteria provided, single submitter. Criteria: GeneDx Variant Classification Process June 2021. Collection method: clinical testing. Allele origin: germline.
Comment: Has not been previously published as pathogenic or benign to our knowledge; In silico analysis suggests that this missense variant does not alter protein structure/function

Ambry Genetics
Classification: Likely benign for Familial thoracic aortic aneurysm and aortic dissection. Last evaluated: 2024-03-12. Review status: criteria provided, single submitter. Criteria: Ambry Variant Classification Scheme 2023. Collection method: clinical testing. Allele origin: germline.

Center for Human Genetics, Inc
Classification: Likely benign for Connective tissue disorder. Last evaluated: 2018-06-01. Review status: criteria provided, single submitter. Criteria: ACMG Guidelines, 2015. Collection method: clinical testing. Allele origin: germline. Affected: yes.

NM_053025.4(MYLK):c.3032C>T (p.Ser1011Phe)

Gene: MYLK (myosin light chain kinase; minus strand). Cytogenetic location: 3q21.1.
Variant type: single nucleotide variant.
Coding change: c.3032C>T on transcript NM_053025.4 (MANE Select); coding-DNA position 3032, C replaced by T.
Protein change: p.Ser1011Phe; replaces serine 1011 with phenylalanine.
Molecular consequence: missense variant.
Genome position (GRCh38, 1-based): chr3:123,700,436, G>A on the plus strand (C>T on the coding strand, the complement: MYLK is on the minus strand). VCF-style: chr3-123700436-G-A. GRCh37 (hg19) VCF-style: chr3-123419283-G-A.
Other names: c.2504C>T, p.Ser835Phe (NM_001321309.2); c.2825C>T, p.Ser942Phe (NM_053026.4, NM_053028.4); c.3032C>T, p.Ser1011Phe (NM_053027.4); short protein forms S1011F, S942F, S835F.
Identifiers: ClinVar variation 539091 (VCV000539091.12), dbSNP rs200423083, ClinGen allele CA069283.